The following is an entry in ClinVar:

NM_000194.3(HPRT1):c.337G>T (p.Asp113Tyr)

Gene: HPRT1 (hypoxanthine phosphoribosyltransferase 1; plus strand). Cytogenetic location: Xq26.2.
Variant type: single nucleotide variant.
Coding change: c.337G>T on transcript NM_000194.3 (MANE Select); coding-DNA position 337, G replaced by T.
Protein change: p.Asp113Tyr; replaces aspartic acid 113 with tyrosine.
Molecular consequence: missense variant.
Genome position (GRCh38, 1-based): chrX:134,486,483, G>T. VCF-style: chrX-134486483-G-T. GRCh37 (hg19) VCF-style: chrX-133620513-G-T.
Other names: short protein forms D113Y.
Identifiers: ClinVar variation 3251036 (VCV003251036.18), dbSNP rs2520813519.

ClinVar aggregate classification (germline): Uncertain significance (1 of 4 stars; one submission).

Submission:

CeGaT Center for Human Genetics Tuebingen
Classification: Uncertain significance. Last evaluated: 2024-06-01. Review status: criteria provided, single submitter. Criteria: CeGaT Center For Human Genetics Tuebingen Variant Classification Criteria Version 2. Collection method: clinical testing. Allele origin: germline. Affected: yes. Observed: 1 variant allele.
Comment: HPRT1: PM2, PP2, PP3, PS2:Supporting